The following is an entry in ClinVar:

NM_000057.4(BLM):c.2594A>G (p.Tyr865Cys)

Gene: BLM (BLM RecQ like helicase; plus strand). Cytogenetic location: 15q26.1.
Variant type: single nucleotide variant.
Coding change: c.2594A>G on transcript NM_000057.4 (MANE Select); coding-DNA position 2594, A replaced by G.
Protein change: p.Tyr865Cys; replaces tyrosine 865 with cysteine.
Molecular consequence: missense variant.
Genome position (GRCh38, 1-based): chr15:90,782,860, A>G. VCF-style: chr15-90782860-A-G. GRCh37 (hg19) VCF-style: chr15-91326090-A-G.
Other names: c.2594A>G, p.Tyr865Cys (NM_001287246.2, NM_001287247.2); c.1469A>G, p.Tyr490Cys (NM_001287248.2); short protein forms Y865C, Y490C.
Identifiers: ClinVar variation 454110 (VCV000454110.16), dbSNP rs777842626, ClinGen allele CA7738823.

ClinVar aggregate classification (germline): Uncertain significance. Review status: criteria provided, multiple submitters, no conflicts (2 of 4 stars). 6 submissions from 6 submitters: Uncertain significance (5). 1 of the submissions does not count toward it. Last evaluated 2025-09-19.

Conditions:
Hereditary cancer-predisposing syndrome. Also called: Tumor predisposition; Neoplastic Syndromes, Hereditary; Hereditary neoplastic syndrome; Hereditary Cancer Syndrome. Identifiers: Orphanet 140162, MedGen C0027672, MeSH D009386, MONDO:0015356.
Bloom syndrome (BLM). Also called: Bloom-Torre-Machacek syndrome. Identifiers: Orphanet 125, MedGen C0005859, MONDO:0008876, OMIM 210900.

Allele frequency attached by ClinVar (database versions not stated): ExAC 0.00001; TOPMed 0.00001; gnomAD exomes 0.00002; gnomAD 0.00003.
gnomAD v4.1: 25 of 1,613,640 alleles (0.0015%); highest among the groups gnomAD compares: East Asian, 0.0022%; no homozygotes.

Submissions (6):

Quest Diagnostics Nichols Institute San Juan Capistrano
Classification: Uncertain significance. Last evaluated: 2025-09-19. Review status: criteria provided, single submitter. Criteria: Quest Diagnostics criteria. Collection method: clinical testing. Allele origin: unknown.
Comment: This test has identified one copy of the c.2594A>G (p.Tyr865Cys) variant in the BLM gene. In the published literature, this variant has been reported in an individual with breast cancer (PMID: 35264596 (2022)). The frequency of this variant in the general population (Genome Aggregation Database) is uninformative in the assessment of its pathogenicity. Analysis of this variant using bioinformatics tools (i.e., MutationTaster and PolyPhen-2) for the prediction of the effect of amino acid changes on protein structure and function yielded predictions that this variant is benign. Based on the available information, we are unable to determine the clinical significance of this variant.

Labcorp Genetics (formerly Invitae), Labcorp
Classification: Uncertain significance for Bloom syndrome. Last evaluated: 2025-01-01. Review status: criteria provided, single submitter. Criteria: Invitae Variant Classification Sherloc (09022015). Collection method: clinical testing. Allele origin: germline.
Comment: This sequence change replaces tyrosine, which is neutral and polar, with cysteine, which is neutral and slightly polar, at codon 865 of the BLM protein (p.Tyr865Cys). This variant is present in population databases (rs777842626, gnomAD 0.004%). This missense change has been observed in individual(s) with breast cancer (PMID: 35264596). ClinVar contains an entry for this variant (Variation ID: 454110). Invitae Evidence Modeling of protein sequence and biophysical properties (such as structural, functional, and spatial information, amino acid conservation, physicochemical variation, residue mobility, and thermodynamic stability) indicates that this missense variant is not expected to disrupt BLM protein function with a negative predictive value of 80%. In summary, the available evidence is currently insufficient to determine the role of this variant in disease. Therefore, it has been classified as a Variant of Uncertain Significance.

GeneDx
Classification: Uncertain significance. Last evaluated: 2024-11-26. Review status: criteria provided, single submitter. Criteria: GeneDx Variant Classification Process June 2021. Collection method: clinical testing. Allele origin: germline.
Comment: Identified in an individual with breast cancer undergoing multi-gene cancer panel testing (PMID: 35264596); In silico analysis indicates that this missense variant does not alter protein structure/function; Not observed at significant frequency in large population cohorts (gnomAD); This variant is associated with the following publications: (PMID: 35264596)

Ambry Genetics
Classification: Uncertain significance for Hereditary cancer-predisposing syndrome. Last evaluated: 2022-08-22. Review status: criteria provided, single submitter. Criteria: Ambry Variant Classification Scheme 2023. Collection method: clinical testing. Allele origin: germline.
Comment: The p.Y865C variant (also known as c.2594A>G), located in coding exon 12 of the BLM gene, results from an A to G substitution at nucleotide position 2594. The tyrosine at codon 865 is replaced by cysteine, an amino acid with highly dissimilar properties. This amino acid position is not well conserved in available vertebrate species. In addition, this alteration is predicted to be tolerated by in silico analysis. Since supporting evidence is limited at this time, the clinical significance of this alteration remains unclear.

Mendelics
Classification: Uncertain significance for Bloom syndrome. Last evaluated: 2018-07-02. Review status: criteria provided, single submitter. Criteria: Mendelics Assertion Criteria 2017. Collection method: clinical testing. Allele origin: unknown.

Natera, Inc.
Classification: Uncertain significance for Bloom syndrome. Last evaluated: 2020-09-16. Review status: no assertion criteria provided. Collection method: clinical testing. Allele origin: germline. Not counted in ClinVar's aggregate classification.

Literature cited by the submitters: PubMed 35264596 (cited by Quest Diagnostics Nichols Institute San Juan Capistrano and Labcorp Genetics (formerly Invitae), Labcorp).